The following is an entry in ClinVar:

NM_001114753.3(ENG):c.808C>T (p.Gln270Ter)

Gene: ENG (endoglin; minus strand). Cytogenetic location: 9q34.11.
Variant type: single nucleotide variant.
Coding change: c.808C>T on transcript NM_001114753.3 (MANE Select); coding-DNA position 808, C replaced by T.
Protein change: p.Gln270Ter; replaces glutamine 270 with a stop codon.
Molecular consequence: nonsense.
Genome position (GRCh38, 1-based): chr9:127,825,239, G>A on the plus strand (C>T on the coding strand, the complement: ENG is on the minus strand). VCF-style: chr9-127825239-G-A. GRCh37 (hg19) VCF-style: chr9-130587518-G-A.
Other names: c.808C>T, p.Gln270Ter (NM_000118.4, NM_001406715.1); c.262C>T, p.Gln88Ter (NM_001278138.2); short protein forms Q270*, Q88*.
Identifiers: ClinVar variation 458355 (VCV000458355.21), dbSNP rs1554810215, ClinGen allele CA374983040.

ClinVar aggregate classification (germline): Pathogenic. Review status: criteria provided, multiple submitters, no conflicts (2 of 4 stars). 6 submissions from 6 submitters: Pathogenic (6). Last evaluated 2025-03-05.

Conditions:
Hereditary hemorrhagic telangiectasia (HHT). Also called: ORW DISEASE; Osler Weber Rendu syndrome; OSLER-RENDU-WEBER DISEASE; Osler hemorrhagic telangiectasia syndrome. Identifiers: Orphanet 774, MedGen C0039445, MONDO:0019180. Disease mechanism: loss of function.
Telangiectasia, hereditary hemorrhagic, type 1 (HHT1). Also called: Osler Weber Rendu syndrome type 1; ENG-Related Hereditary Hemorrhagic Telangiectasia. Identifiers: Orphanet 774, MedGen C4551861, MONDO:0008535, OMIM 187300. Disease mechanism: loss of function.

Submissions (6):

Labcorp Genetics (formerly Invitae), Labcorp
Classification: Pathogenic for Hereditary hemorrhagic telangiectasia. Last evaluated: 2025-03-05. Review status: criteria provided, single submitter. Criteria: Invitae Variant Classification Sherloc (09022015). Collection method: clinical testing. Allele origin: germline.
Comment: This sequence change creates a premature translational stop signal (p.Gln270*) in the ENG gene. It is expected to result in an absent or disrupted protein product. Loss-of-function variants in ENG are known to be pathogenic (PMID: 15879500). This variant is not present in population databases (gnomAD no frequency). This premature translational stop signal has been observed in individual(s) with hemorrhagic telangiectasia (PMID: 24001356). It has also been observed to segregate with disease in related individuals. ClinVar contains an entry for this variant (Variation ID: 458355). For these reasons, this variant has been classified as Pathogenic.

Molecular Genetics, Royal Melbourne Hospital
Classification: Pathogenic for Hereditary hemorrhagic telangiectasia. Last evaluated: 2023-03-30. Review status: criteria provided, single submitter. Criteria: ACMG Guidelines, 2015. Collection method: clinical testing. Allele origin: germline. Affected: yes.
Comment: This sequence change in ENG is a nonsense variant predicted to cause a premature stop codon, p.(Gln270*), in biologically relevant exon 6/15 leading to nonsense-mediated decay in a gene in which loss-of-function is an established disease mechanism (PMID: 20301525). This variant is absent from population database gnomAD v2.1 and v3.1. This variant has been reported in at least three probands with a clinical diagnosis of hereditary haemorrhagic telangiectasia and segregates with disease (PMID: 24001356, 31455059, 32300199). Based on the classification scheme RMH Modified ACMG Guidelines v1.5.1, this variant is classified as PATHOGENIC. Following criteria are met: PVS1, PS4_Moderate, PM2_Supporting, PP1.

Victorian Clinical Genetics Services, Murdoch Childrens Research Institute
Classification: Pathogenic for Telangiectasia, hereditary hemorrhagic, type 1. Last evaluated: 2022-06-24. Review status: criteria provided, single submitter. Criteria: ACMG Guidelines, 2015. Collection method: clinical testing. Allele origin: germline. Inheritance: Autosomal dominant inheritance.
Comment: Based on the classification scheme VCGS_Germline_v1.3.4, this variant is classified as Pathogenic. Following criteria are met: 0103 - Dominant negative and loss of function are known mechanisms of disease in this gene and are associated with hereditary haemorrhagic telangiectasia type 1 (HHT; MIM#187300). Multiple pathogenic null variants have been reported, and missense variants have been demonstrated to have both loss of function and dominant negative effects on protein activity (PMIDs: 25080347, 25312062). (I). 0107 - This gene is associated with autosomal dominant disease. (I) 0201 - Variant is predicted to cause nonsense-mediated decay (NMD) and loss of protein (premature termination codon is located at least 54 nucleotides upstream of the final exon-exon junction). (SP) 0251 - This variant is heterozygous. (I) 0301 - Variant is absent from gnomAD (both v2 and v3). (SP) 0701 - Other null variants comparable to the one identified in this case have very strong previous evidence for pathogenicity. There are multiple likely pathogenic and pathogenic NMD-predicted variants that have been reported (DECIPHER). (SP) 0801 - This variant has strong previous evidence of pathogenicity in unrelated individuals. This variant has been reported in at least five individuals or families with hereditary haemorrhagic telangiectasia (ClinVar, PMIDs: 24001356, 29483005, 31455059). (SP) 1208 - Inheritance information for this variant is not currently available in this individual. (I) Legend: (SP) - Supporting pathogenic, (I) - Information, (SB) - Supporting benign

Fulgent Genetics
Classification: Pathogenic for Telangiectasia, hereditary hemorrhagic, type 1. Last evaluated: 2022-03-10. Review status: criteria provided, single submitter. Criteria: ACMG Guidelines, 2015. Collection method: clinical testing. Allele origin: unknown.

Beijing Key Laboratry for Genetics of Birth Defects, Beijing Children's Hospital
Classification: Pathogenic for Telangiectasia, hereditary hemorrhagic, type 1. Last evaluated: 2020-12-20. Review status: criteria provided, single submitter. Criteria: ACMG Guidelines, 2015. Collection method: clinical testing. Allele origin: germline. Affected: yes. Observed: 1 variant allele.

ARUP Laboratories, Molecular Genetics and Genomics, ARUP Laboratories
Classification: Pathogenic. Last evaluated: 2018-01-19. Review status: criteria provided, single submitter. Criteria: ARUP Molecular Germline Variant Investigation Process. Collection method: clinical testing. Allele origin: germline.
Comment: The ENG c.808C>T; p.Gln270Ter variant is reported in the literature in a family affected with HHT (Torring 2014). This variant is also reported as pathogenic in ClinVar (Variation ID: 458355), and is absent from general population databases (1000 Genomes Project, Exome Variant Server, Genome Aggregation Database). This variant induces an early termination codon and is predicted to result in a truncated protein or mRNA that is subject to nonsense medicated decay. Based on the above information, this variant is considered pathogenic. REFERENCES Torring PM et al. National mutation study among Danish patients with hereditary haemorrhagic telangiectasia. Clin Genet. 2014 Aug;86(2):123-33.

Literature cited by the submitters: PubMed 15879500 (cited by Labcorp Genetics (formerly Invitae), Labcorp); PubMed 24001356 (cited by 4 submitters); PubMed 20301525 (cited by Molecular Genetics, Royal Melbourne Hospital); PubMed 31455059 (cited by Molecular Genetics, Royal Melbourne Hospital and Victorian Clinical Genetics Services, Murdoch Childrens Research Institute); PubMed 32300199 (cited by Molecular Genetics, Royal Melbourne Hospital); PubMed 25080347 (cited by Victorian Clinical Genetics Services, Murdoch Childrens Research Institute); PubMed 25312062 (cited by Victorian Clinical Genetics Services, Murdoch Childrens Research Institute); PubMed 29483005 (cited by Victorian Clinical Genetics Services, Murdoch Childrens Research Institute).